The following is an entry in ClinVar:

NM_001283009.2(RTEL1):c.1004C>G (p.Pro335Arg)

Genes: RTEL1-TNFRSF6B (RTEL1-TNFRSF6B readthrough (NMD candidate); plus strand), RTEL1 (regulator of telomere elongation helicase 1; plus strand). Cytogenetic location: 20q13.33.
Variant type: single nucleotide variant.
Coding change: c.1004C>G on transcript NM_001283009.2 (MANE Select); coding-DNA position 1004, C replaced by G.
Protein change: p.Pro335Arg; replaces proline 335 with arginine.
Molecular consequence: missense variant. On other transcripts: non-coding transcript variant (1).
Genome position (GRCh38, 1-based): chr20:63,678,313, C>G. VCF-style: chr20-63678313-C-G. GRCh37 (hg19) VCF-style: chr20-62309666-C-G.
Other names: c.335C>G, p.Pro112Arg (NM_001283010.1); c.1004C>G, p.Pro335Arg (NM_016434.4); c.1076C>G, p.Pro359Arg (NM_032957.5); short protein forms P112R, P335R, P359R.
Identifiers: ClinVar variation 991703 (VCV000991703.6), dbSNP rs750272281, ClinGen allele CA9964556.
Genomic context (GRCh38, chr20:63,678,313, plus strand): 5'-CTCCTCGACCCACAGTGATCCTGCTGCGCCTGGAGGGGGCCATCGATGCTGTTGAGCTGC[C>G]TGGAGACGACAGCGGTGTCACCAAGCCAGGGAGGTGAGAGGCGGGGAGCCAGCCCCTTCA-3'
Protein context (NP_001269938.1, residues 325-345): LEGAIDAVEL[Pro335Arg]GDDSGVTKPG

ClinVar aggregate classification (germline): Uncertain significance. Review status: criteria provided, multiple submitters, no conflicts (2 of 4 stars). 4 submissions from 4 submitters: Uncertain significance (3). 1 of the submissions does not count toward it. Last evaluated 2024-12-20.

Conditions:
Dyskeratosis congenita, autosomal recessive 5 (DKCB5). Identifiers: MedGen C3554656, MONDO:0014076, OMIM 615190.
Pulmonary fibrosis and/or bone marrow failure, Telomere-related, 3. Also called: PULMONARY FIBROSIS AND/OR BONE MARROW FAILURE SYNDROME, TELOMERE-RELATED, 3. Identifiers: Orphanet 2032, MedGen C4225346, MONDO:0014613, OMIM 616373.
Inborn genetic diseases. Identifiers: MedGen C0950123, MeSH D030342.
Dyskeratosis congenita. Identifiers: Orphanet 1775, MedGen C0265965, MONDO:0015780.

Allele frequency attached by ClinVar (database versions not stated): gnomAD exomes 0.00001 and 0.00004; TOPMed 0.00002; ExAC 0.00004.
gnomAD v4.1: 17 of 1,613,068 alleles (0.0011%); highest among the groups gnomAD compares: East Asian, 0.038%; no homozygotes.

Submissions (4):

Ambry Genetics
Classification: Uncertain significance for Inborn genetic diseases. Last evaluated: 2024-12-20. Review status: criteria provided, single submitter. Criteria: Ambry Variant Classification Scheme 2023. Collection method: clinical testing. Allele origin: germline.
Comment: The p.P335R variant (also known as c.1004C>G), located in coding exon 11 of the RTEL1 gene, results from a C to G substitution at nucleotide position 1004. The proline at codon 335 is replaced by arginine, an amino acid with dissimilar properties. This amino acid position is conserved. In addition, the in silico prediction for this alteration is inconclusive. Based on the available evidence, the clinical significance of this variant remains unclear.

Labcorp Genetics (formerly Invitae), Labcorp
Classification: Uncertain significance for Dyskeratosis congenita, autosomal recessive 5; Pulmonary fibrosis and/or bone marrow failure, Telomere-related, 3. Last evaluated: 2023-12-11. Review status: criteria provided, single submitter. Criteria: Invitae Variant Classification Sherloc (09022015). Collection method: clinical testing. Allele origin: germline.
Comment: This sequence change replaces proline, which is neutral and non-polar, with arginine, which is basic and polar, at codon 335 of the RTEL1 protein (p.Pro335Arg). This variant is present in population databases (rs750272281, gnomAD 0.06%). This variant has not been reported in the literature in individuals affected with RTEL1-related conditions. This variant is also known as p.P112R, p.P359R. ClinVar contains an entry for this variant (Variation ID: 991703). An algorithm developed to predict the effect of missense changes on protein structure and function (PolyPhen-2) suggests that this variant is likely to be disruptive. In summary, the available evidence is currently insufficient to determine the role of this variant in disease. Therefore, it has been classified as a Variant of Uncertain Significance.

Fulgent Genetics
Classification: Uncertain significance for Dyskeratosis congenita, autosomal recessive 5; Pulmonary fibrosis and/or bone marrow failure, Telomere-related, 3. Last evaluated: 2021-07-01. Review status: criteria provided, single submitter. Criteria: ACMG Guidelines, 2015. Collection method: clinical testing. Allele origin: unknown.

Natera, Inc.
Classification: Uncertain significance for Dyskeratosis congenita. Last evaluated: 2020-05-20. Review status: no assertion criteria provided. Collection method: clinical testing. Allele origin: germline. Not counted in ClinVar's aggregate classification.